The following is an entry in ClinVar:

ClinVar aggregate classification (germline): Benign/Likely benign. Review status: criteria provided, multiple submitters, no conflicts (2 of 4 stars). 10 submissions from 10 submitters: Benign (3); Likely benign (6). 1 of the submissions does not count toward it. Last evaluated 2025-12-31.

Conditions:
Tuberous sclerosis 2 (TSC2). Identifiers: Orphanet 805, MedGen C1860707, MONDO:0013199, OMIM 613254.
TSC2-related disorder. Also called: TSC2-related condition; TSC2-Related Disorders.
Hereditary cancer-predisposing syndrome. Also called: Hereditary neoplastic syndrome; Tumor predisposition; Neoplastic Syndromes, Hereditary; Hereditary Cancer Syndrome. Identifiers: Orphanet 140162, MedGen C0027672, MeSH D009386, MONDO:0015356.
Tuberous sclerosis syndrome (TSC). Also called: Tuberous Sclerosis Complex; Tuberous sclerosis. Identifiers: Orphanet 805, MedGen C0041341, MONDO:0001734.

Allele frequency attached by ClinVar (database versions not stated): gnomAD 0.00002; TOPMed 0.00002; ExAC 0.00006.
gnomAD v4.1: 29 of 1,591,418 alleles (0.0018%); highest among the groups gnomAD compares: Non-Finnish European, 0.0023%; no homozygotes.

Submissions (10):

Labcorp Genetics (formerly Invitae), Labcorp
Classification: Benign for Tuberous sclerosis 2. Last evaluated: 2025-12-31. Review status: criteria provided, single submitter. Criteria: Invitae Variant Classification Sherloc (09022015). Collection method: clinical testing. Allele origin: germline.

CeGaT Center for Human Genetics Tuebingen
Classification: Likely benign. Last evaluated: 2025-07-01. Review status: criteria provided, single submitter. Criteria: CeGaT Center For Human Genetics Tuebingen Variant Classification Criteria Version 2. Collection method: clinical testing. Allele origin: germline. Affected: yes. Observed: 2 variant alleles.
Comment: TSC2: BP7

Myriad Genetics, Inc.
Classification: Benign for Tuberous sclerosis 2. Last evaluated: 2025-05-02. Review status: criteria provided, single submitter. Criteria: Myriad Autosomal Dominant, Autosomal Recessive and X-Linked Classification Criteria (2023). Collection method: clinical testing. Allele origin: unknown.
Comment: This variant is considered benign. This variant is a silent/synonymous amino acid change and it is not expected to impact splicing.

All of Us Research Program, National Institutes of Health
Classification: Likely benign for Tuberous sclerosis syndrome. Last evaluated: 2024-08-13. Review status: criteria provided, single submitter. Criteria: ACMG Guidelines, 2015. Collection method: clinical testing. Allele origin: germline. Inheritance: Autosomal dominant inheritance. Observed: 4 variant alleles, 4 heterozygotes.
Comment: This study involves interpretation of variants in research participants for the purpose of population health screening. Participant phenotype was not available at the time of variant classification. Additional details can be found in publication PMID: 35346344, PMCID: PMC8962531

Color Diagnostics, LLC DBA Color Health
Classification: Likely benign for Tuberous sclerosis syndrome. Last evaluated: 2022-09-09. Review status: criteria provided, single submitter. Criteria: ACMG Guidelines, 2015. Collection method: clinical testing. Allele origin: germline.

Genome-Nilou Lab
Classification: Benign for Tuberous sclerosis 2. Last evaluated: 2021-11-07. Review status: criteria provided, single submitter. Criteria: ACMG Guidelines, 2015. Collection method: clinical testing. Allele origin: germline. Affected: no.

GeneDx
Classification: Likely benign. Last evaluated: 2019-09-26. Review status: criteria provided, single submitter. Criteria: GeneDx Variant Classification Process June 2021. Collection method: clinical testing. Allele origin: germline. Affected: yes.

Ambry Genetics
Classification: Likely benign for Hereditary cancer-predisposing syndrome. Last evaluated: 2018-12-28. Review status: criteria provided, single submitter. Criteria: Ambry Variant Classification Scheme 2023. Collection method: clinical testing. Allele origin: germline.

Illumina Laboratory Services, Illumina
Classification: Likely benign for Tuberous sclerosis syndrome. Last evaluated: 2018-01-13. Review status: criteria provided, single submitter. Criteria: ICSL Variant Classification Criteria 13 December 2019. Collection method: clinical testing. Allele origin: germline.
Comment: This variant was observed in the ICSL laboratory as part of a predisposition screen in an ostensibly healthy population. It had not been previously curated by ICSL or reported in the Human Gene Mutation Database (HGMD: prior to June 1st, 2018), and was therefore a candidate for classification through an automated scoring system. Utilizing variant allele frequency, disease prevalence and penetrance estimates, and inheritance mode, an automated score was calculated to assess if this variant is too frequent to cause the disease. Based on the score and internal cut-off values, a variant classified as likely benign is not then subjected to further curation. The score for this variant resulted in a classification of likely benign for this disease.

PreventionGenetics, part of Exact Sciences
Classification: Likely benign for TSC2-related condition. Last evaluated: 2023-12-04. Review status: no assertion criteria provided. Collection method: clinical testing. Allele origin: germline. Not counted in ClinVar's aggregate classification.
Comment: This variant is classified as likely benign based on ACMG/AMP sequence variant interpretation guidelines (Richards et al. 2015 PMID: 25741868, with internal and published modifications).

NM_000548.5(TSC2):c.270G>A (p.Gln90=)

Gene: TSC2 (TSC complex subunit 2; plus strand). Cytogenetic location: 16p13.3.
Variant type: single nucleotide variant.
Coding change: c.270G>A on transcript NM_000548.5 (MANE Select); coding-DNA position 270, G replaced by A.
Protein change: p.Gln90=; no amino-acid change (glutamine 90 retained).
Molecular consequence: synonymous variant. On other transcripts: intron variant (2).
Genome position (GRCh38, 1-based): chr16:2,053,386, G>A. VCF-style: chr16-2053386-G-A. GRCh37 (hg19) VCF-style: chr16-2103387-G-A.
Other names: c.270G>A, p.Gln90= (NM_001077183.3, NM_001114382.3, NM_001363528.2 and 3 more transcripts); c.123G>A, p.Gln41= (NM_001318829.2); c.303G>A, p.Gln101= (NM_001318832.2); c.226-910G>A (NM_001318827.2); c.-1-2810G>A (NM_001318831.2); c.270G>A (NM_000548.4).
Identifiers: ClinVar variation 467958 (VCV000467958.44), dbSNP rs779310889, ClinGen allele CA040998.